The following is an entry in ClinVar:

NM_014806.5(RUSC2):c.1957C>T (p.Leu653Phe)

Gene: RUSC2 (RUN and SH3 domain containing 2; plus strand). Cytogenetic location: 9p13.3.
Variant type: single nucleotide variant.
Coding change: c.1957C>T on transcript NM_014806.5 (MANE Select); coding-DNA position 1957, C replaced by T.
Protein change: p.Leu653Phe; replaces leucine 653 with phenylalanine.
Molecular consequence: missense variant. On other transcripts: intron variant (1).
Genome position (GRCh38, 1-based): chr9:35,548,478, C>T. VCF-style: chr9-35548478-C-T. GRCh37 (hg19) VCF-style: chr9-35548475-C-T.
Other names: c.1957C>T, p.Leu653Phe (NM_001135999.2); c.-620-6582C>T (NM_001330740.2); short protein forms L653F.
Identifiers: ClinVar variation 1439980 (VCV001439980.3), dbSNP rs765382708, ClinGen allele CA5043758.

ClinVar aggregate classification (germline): Uncertain significance (1 of 4 stars; one submission).

Allele frequency attached by ClinVar (database versions not stated): TOPMed 0.00002.
gnomAD v4.1: 27 of 1,613,840 alleles (0.0017%); highest among the groups gnomAD compares: Non-Finnish European, 0.0018%; no homozygotes.

Submission:

Labcorp Genetics (formerly Invitae), Labcorp
Classification: Uncertain significance. Last evaluated: 2022-09-15. Review status: criteria provided, single submitter. Criteria: Invitae Variant Classification Sherloc (09022015). Collection method: clinical testing. Allele origin: germline.
Comment: This sequence change replaces leucine, which is neutral and non-polar, with phenylalanine, which is neutral and non-polar, at codon 653 of the RUSC2 protein (p.Leu653Phe). This variant is present in population databases (rs765382708, gnomAD 0.005%). This variant has not been reported in the literature in individuals affected with RUSC2-related conditions. ClinVar contains an entry for this variant (Variation ID: 1439980). Algorithms developed to predict the effect of missense changes on protein structure and function output the following: SIFT: "Tolerated"; PolyPhen-2: "Benign"; Align-GVGD: "Class C0". The phenylalanine amino acid residue is found in multiple mammalian species, which suggests that this missense change does not adversely affect protein function. In summary, the available evidence is currently insufficient to determine the role of this variant in disease. Therefore, it has been classified as a Variant of Uncertain Significance.